The following is an entry in ClinVar:

NM_001386795.1(DTNA):c.603+137G>A

Gene: DTNA (dystrobrevin alpha; plus strand). Cytogenetic location: 18q12.1.
Variant type: single nucleotide variant.
Coding change: c.603+137G>A on transcript NM_001386795.1 (MANE Select); 137 bases into the intron after coding-DNA position 603, G replaced by A.
Molecular consequence: intron variant.
Genome position (GRCh38, 1-based): chr18:34,812,250, G>A. VCF-style: chr18-34812250-G-A. GRCh37 (hg19) VCF-style: chr18-32392214-G-A.
Other names: c.603+137G>A (NM_032975.4, NM_001386761.1, NM_001386762.1 and 35 more transcripts).
Identifiers: ClinVar variation 672618 (VCV000672618.1), dbSNP rs72963034, ClinGen allele CA298589913.

ClinVar aggregate classification (germline): Benign (1 of 4 stars; one submission).

Allele frequency attached by ClinVar (database versions not stated): gnomAD exomes 0.10974; 1000 Genomes Project 0.11102; 1000 Genomes Project 30x 0.11587; TOPMed 0.13551; gnomAD 0.13963 and 0.14420.
gnomAD v4.1: 141,077 of 1,248,134 alleles (11%); highest among the groups gnomAD compares: African/African-American, 23%; 8,980 homozygotes.

Submission:

GeneDx
Classification: Benign. Last evaluated: 2018-06-16. Review status: criteria provided, single submitter. Criteria: GeneDx Variant Classification (06012015). Collection method: clinical testing. Allele origin: germline. Affected: yes.
Comment: This variant is considered likely benign or benign based on one or more of the following criteria: it is a conservative change, it occurs at a poorly conserved position in the protein, it is predicted to be benign by multiple in silico algorithms, and/or has population frequency not consistent with disease.